The following is an entry in ClinVar:

NM_001199138.2(NLRC4):c.1309C>A (p.Pro437Thr)

Gene: NLRC4 (NLR family CARD domain containing 4; minus strand). Cytogenetic location: 2p22.3.
Variant type: single nucleotide variant.
Coding change: c.1309C>A on transcript NM_001199138.2 (MANE Select); coding-DNA position 1309, C replaced by A.
Protein change: p.Pro437Thr; replaces proline 437 with threonine.
Molecular consequence: missense variant. On other transcripts: intron variant (1).
Genome position (GRCh38, 1-based): chr2:32,250,555, G>T on the plus strand (C>A on the coding strand, the complement: NLRC4 is on the minus strand). VCF-style: chr2-32250555-G-T. GRCh37 (hg19) VCF-style: chr2-32475624-G-T.
Other names: c.1309C>A, p.Pro437Thr (NM_001199139.2, NM_021209.5); c.262+1864C>A (NM_001302504.1); short protein forms P437T.
Identifiers: ClinVar variation 2169743 (VCV002169743.5), dbSNP rs2466760231, ClinGen allele CA346512751.

ClinVar aggregate classification (germline): Uncertain significance. Review status: criteria provided, multiple submitters, no conflicts (2 of 4 stars). 2 submissions from 2 submitters: Uncertain significance (2). Last evaluated 2023-02-02.

Conditions:
Periodic fever-infantile enterocolitis-autoinflammatory syndrome. Also called: Autoinflammation with infantile enterocolitis. Identifiers: Orphanet 436166, MedGen C4015067, MONDO:0014472, OMIM 616050.
Familial cold autoinflammatory syndrome 4 (FCAS4). Identifiers: Orphanet 47045, Orphanet 576349, MedGen C4015276, MONDO:0014498, OMIM 616115.

Submissions (2):

Labcorp Genetics (formerly Invitae), Labcorp
Classification: Uncertain significance for Periodic fever-infantile enterocolitis-autoinflammatory syndrome; Familial cold autoinflammatory syndrome 4. Last evaluated: 2023-02-02. Review status: criteria provided, single submitter. Criteria: Invitae Variant Classification Sherloc (09022015). Collection method: clinical testing. Allele origin: germline.
Comment: This variant is not present in population databases (gnomAD no frequency). This sequence change replaces proline, which is neutral and non-polar, with threonine, which is neutral and polar, at codon 437 of the NLRC4 protein (p.Pro437Thr). This variant has not been reported in the literature in individuals affected with NLRC4-related conditions. Advanced modeling of protein sequence and biophysical properties (such as structural, functional, and spatial information, amino acid conservation, physicochemical variation, residue mobility, and thermodynamic stability) performed at Invitae indicates that this missense variant is not expected to disrupt NLRC4 protein function. In summary, the available evidence is currently insufficient to determine the role of this variant in disease. Therefore, it has been classified as a Variant of Uncertain Significance.

Blueprint Genetics
Classification: Uncertain significance. Last evaluated: 2019-06-28. Review status: criteria provided, single submitter. Criteria: ACMG Guidelines, 2015. Collection method: clinical testing. Allele origin: germline.